The following is an entry in ClinVar:

NM_000297.4(PKD2):c.1969G>A (p.Gly657Arg)

Gene: PKD2 (polycystin 2, transient receptor potential cation channel; plus strand). Cytogenetic location: 4q22.1.
Variant type: single nucleotide variant.
Coding change: c.1969G>A on transcript NM_000297.4 (MANE Select); coding-DNA position 1969, G replaced by A.
Protein change: p.Gly657Arg; replaces glycine 657 with arginine.
Molecular consequence: missense variant.
Genome position (GRCh38, 1-based): chr4:88,058,053, G>A. VCF-style: chr4-88058053-G-A. GRCh37 (hg19) VCF-style: chr4-88979205-G-A.
Other names: short protein forms G657R.
Identifiers: ClinVar variation 2804285 (VCV002804285.3), dbSNP rs2475959566, ClinGen allele CA357623181.

ClinVar aggregate classification (germline): Uncertain significance (1 of 4 stars; one submission).

Conditions:
Autosomal dominant polycystic kidney disease. Identifiers: Orphanet 730, MedGen C0085413, MONDO:0004691.

Submission:

Labcorp Genetics (formerly Invitae), Labcorp
Classification: Uncertain significance for Autosomal dominant polycystic kidney disease. Last evaluated: 2023-10-24. Review status: criteria provided, single submitter. Criteria: Invitae Variant Classification Sherloc (09022015). Collection method: clinical testing. Allele origin: germline.
Comment: This sequence change replaces glycine, which is neutral and non-polar, with arginine, which is basic and polar, at codon 657 of the PKD2 protein (p.Gly657Arg). This variant is not present in population databases (gnomAD no frequency). This variant has not been reported in the literature in individuals affected with PKD2-related conditions. Advanced modeling of protein sequence and biophysical properties (such as structural, functional, and spatial information, amino acid conservation, physicochemical variation, residue mobility, and thermodynamic stability) performed at Invitae indicates that this missense variant is expected to disrupt PKD2 protein function with a positive predictive value of 80%. In summary, the available evidence is currently insufficient to determine the role of this variant in disease. Therefore, it has been classified as a Variant of Uncertain Significance.